The following is an entry in ClinVar:

ClinVar aggregate classification (germline): Uncertain significance (1 of 4 stars; one submission).

Conditions:
Hereditary factor VIII deficiency disease (HEMA). Also called: HEMOPHILIA, CLASSIC; AUTOSOMAL HEMOPHILIA A; Hemophilia A; Hemophilia A, congenital; HEM A; Factor 8 deficiency, congenital. Identifiers: Orphanet 98878, MedGen C0019069, MONDO:0010602, OMIM 306700.

Submission:

Genetics and Molecular Pathology, SA Pathology
Classification: Uncertain significance for Hereditary factor VIII deficiency disease. Last evaluated: 2020-05-27. Review status: criteria provided, single submitter. Criteria: ACMG Guidelines, 2015. Collection method: clinical testing. Allele origin: germline. Inheritance: X-linked recessive inheritance. Affected: yes.
Comment: PM2, PP3, PP4, PP5

NM_000132.4(F8):c.6362T>A (p.Ile2121Asn)

Gene: F8 (coagulation factor VIII; minus strand). Cytogenetic location: Xq28.
Variant type: single nucleotide variant.
Coding change: c.6362T>A on transcript NM_000132.4 (MANE Select); coding-DNA position 6362, T replaced by A.
Protein change: p.Ile2121Asn; replaces isoleucine 2121 with asparagine.
Molecular consequence: missense variant.
Genome position (GRCh38, 1-based): chrX:154,896,144, A>T on the plus strand (T>A on the coding strand, the complement: F8 is on the minus strand). VCF-style: chrX-154896144-A-T. GRCh37 (hg19) VCF-style: chrX-154124419-A-T.
Other names: short protein forms I2121N.
Identifiers: ClinVar variation 1803181 (VCV001803181.1), dbSNP rs2072977768, ClinGen allele CA414899722.